The following is an entry in ClinVar:

NM_001194998.2(CEP152):c.4114A>C (p.Met1372Leu)

Gene: CEP152 (centrosomal protein 152; minus strand). Cytogenetic location: 15q21.1.
Variant type: single nucleotide variant.
Coding change: c.4114A>C on transcript NM_001194998.2 (MANE Select); coding-DNA position 4114, A replaced by C.
Protein change: p.Met1372Leu; replaces methionine 1372 with leucine.
Molecular consequence: missense variant.
Genome position (GRCh38, 1-based): chr15:48,739,268, T>G on the plus strand (A>C on the coding strand, the complement: CEP152 is on the minus strand). VCF-style: chr15-48739268-T-G. GRCh37 (hg19) VCF-style: chr15-49031465-T-G.
Other names: c.3946A>C, p.Met1316Leu (NM_014985.4); c.3946A>C (NM_014985.3); short protein forms M1316L, M1372L.
Identifiers: ClinVar variation 2181953 (VCV002181953.2), dbSNP rs1264239392, ClinGen allele CA392336515.

ClinVar aggregate classification (germline): Uncertain significance. Review status: criteria provided, multiple submitters, no conflicts (2 of 4 stars). 2 submissions from 2 submitters: Uncertain significance (2). Last evaluated 2024-09-10.

Conditions:
Inborn genetic diseases. Identifiers: MedGen C0950123, MeSH D030342.

Allele frequency attached by ClinVar (database versions not stated): TOPMed below 0.00001; gnomAD 0.00001.

Submissions (2):

Ambry Genetics
Classification: Uncertain significance for Inborn genetic diseases. Last evaluated: 2024-09-10. Review status: criteria provided, single submitter. Criteria: Ambry Variant Classification Scheme 2023. Collection method: clinical testing. Allele origin: germline.

Labcorp Genetics (formerly Invitae), Labcorp
Classification: Uncertain significance. Last evaluated: 2022-06-25. Review status: criteria provided, single submitter. Criteria: Invitae Variant Classification Sherloc (09022015). Collection method: clinical testing. Allele origin: germline.
Comment: This sequence change replaces methionine, which is neutral and non-polar, with leucine, which is neutral and non-polar, at codon 1316 of the CEP152 protein (p.Met1316Leu). This variant is present in population databases (no rsID available, gnomAD 0.002%). This variant has not been reported in the literature in individuals affected with CEP152-related conditions. Algorithms developed to predict the effect of missense changes on protein structure and function output the following: SIFT: "Tolerated"; PolyPhen-2: "Benign"; Align-GVGD: "Class C0". The leucine amino acid residue is found in multiple mammalian species, which suggests that this missense change does not adversely affect protein function. In summary, the available evidence is currently insufficient to determine the role of this variant in disease. Therefore, it has been classified as a Variant of Uncertain Significance.